The following is an entry in ClinVar:

ClinVar aggregate classification (germline): Uncertain significance (1 of 4 stars; one submission).

Conditions:
Inborn genetic diseases. Identifiers: MedGen C0950123, MeSH D030342.

Submission:

Ambry Genetics
Classification: Uncertain significance for Inborn genetic diseases. Last evaluated: 2024-10-05. Review status: criteria provided, single submitter. Criteria: Ambry Variant Classification Scheme 2023. Collection method: clinical testing. Allele origin: germline.
Comment: The p.T409A variant (also known as c.1225A>G), located in coding exon 12 of the ERCC2 gene, results from an A to G substitution at nucleotide position 1225. The threonine at codon 409 is replaced by alanine, an amino acid with similar properties. This amino acid position is conserved. In addition, this alteration is predicted to be deleterious by in silico analysis. Since supporting evidence is limited at this time, the clinical significance of this alteration remains unclear.

NM_000400.4(ERCC2):c.1225A>G (p.Thr409Ala)

Gene: ERCC2 (ERCC excision repair 2, TFIIH core complex helicase subunit; minus strand). Cytogenetic location: 19q13.32.
Variant type: single nucleotide variant.
Coding change: c.1225A>G on transcript NM_000400.4 (MANE Select); coding-DNA position 1225, A replaced by G.
Protein change: p.Thr409Ala; replaces threonine 409 with alanine.
Molecular consequence: missense variant.
Genome position (GRCh38, 1-based): chr19:45,361,536, T>C on the plus strand (A>G on the coding strand, the complement: ERCC2 is on the minus strand). VCF-style: chr19-45361536-T-C. GRCh37 (hg19) VCF-style: chr19-45864794-T-C.
Other names: c.1153A>G, p.Thr385Ala (NM_001130867.2); short protein forms T409A, T385A.
Identifiers: ClinVar variation 1754068 (VCV001754068.3), dbSNP rs916150601, ClinGen allele CA406369805.